The following is an entry in ClinVar:

NM_006204.4(PDE6C):c.1935+5G>A

Gene: PDE6C (phosphodiesterase 6C; plus strand). Cytogenetic location: 10q23.33.
Variant type: single nucleotide variant.
Coding change: c.1935+5G>A on transcript NM_006204.4 (MANE Select); 5 bases into the intron after coding-DNA position 1935, G replaced by A.
Molecular consequence: intron variant.
Genome position (GRCh38, 1-based): chr10:93,646,052, G>A. VCF-style: chr10-93646052-G-A. GRCh37 (hg19) VCF-style: chr10-95405809-G-A.
Identifiers: ClinVar variation 955480 (VCV000955480.6), dbSNP rs762913475, ClinGen allele CA5610339.
Genomic context (GRCh38, chr10:93,646,052, plus strand): 5'-CTTCTATTTTGGAGAGGCACCACCTGGAGTACAGTAAGACTCTGTTGCAGGATGAGGTAC[G>A]TAAACCTCTCTTTAGGACAGCTAAACACAAATTCTGGATCAAAGCACTAACCCACAGAAA-3'

ClinVar aggregate classification (germline): Uncertain significance. Review status: criteria provided, multiple submitters, no conflicts (2 of 4 stars). 2 submissions from 2 submitters: Uncertain significance (2). Last evaluated 2022-06-03.

Allele frequency attached by ClinVar (database versions not stated): gnomAD 0.00001; TOPMed 0.00003.
gnomAD v4.1: 25 of 1,506,084 alleles (0.0017%); highest among the groups gnomAD compares: South Asian, 0.011%; no homozygotes.

Submissions (2):

Labcorp Genetics (formerly Invitae), Labcorp
Classification: Uncertain significance. Last evaluated: 2022-06-03. Review status: criteria provided, single submitter. Criteria: Invitae Variant Classification Sherloc (09022015). Collection method: clinical testing. Allele origin: germline.
Comment: This sequence change falls in intron 15 of the PDE6C gene. It does not directly change the encoded amino acid sequence of the PDE6C protein. It affects a nucleotide within the consensus splice site. This variant is present in population databases (rs762913475, gnomAD 0.01%). This variant has not been reported in the literature in individuals affected with PDE6C-related conditions. ClinVar contains an entry for this variant (Variation ID: 955480). Variants that disrupt the consensus splice site are a relatively common cause of aberrant splicing (PMID: 17576681, 9536098). Algorithms developed to predict the effect of sequence changes on RNA splicing suggest that this variant may disrupt the consensus splice site. In summary, the available evidence is currently insufficient to determine the role of this variant in disease. Therefore, it has been classified as a Variant of Uncertain Significance.

Blueprint Genetics
Classification: Uncertain significance. Last evaluated: 2020-03-12. Review status: criteria provided, single submitter. Criteria: ACMG Guidelines, 2015. Collection method: clinical testing. Allele origin: germline.

Literature cited by the submitters: PubMed 17576681 (cited by Labcorp Genetics (formerly Invitae), Labcorp); PubMed 9536098 (cited by Labcorp Genetics (formerly Invitae), Labcorp).